The following is an entry in ClinVar:

NM_001114753.3(ENG):c.-69G>A

Gene: ENG (endoglin; minus strand). Cytogenetic location: 9q34.11.
Variant type: single nucleotide variant.
Coding change: c.-69G>A on transcript NM_001114753.3 (MANE Select); 69 bases upstream of the start codon, G replaced by A.
Molecular consequence: 5 prime UTR variant.
Genome position (GRCh38, 1-based): chr9:127,854,424, C>T on the plus strand (G>A on the coding strand, the complement: ENG is on the minus strand). VCF-style: chr9-127854424-C-T. GRCh37 (hg19) VCF-style: chr9-130616703-C-T.
Other names: c.-69G>A (NM_000118.4, NM_001406715.1).
Identifiers: ClinVar variation 2149089 (VCV002149089.2), dbSNP rs985078280, ClinGen allele CA200326777.

ClinVar aggregate classification (germline): Uncertain significance. Review status: criteria provided, multiple submitters, no conflicts (2 of 4 stars). 2 submissions from 2 submitters: Uncertain significance (2). Last evaluated 2024-01-03.

Conditions:
Hereditary hemorrhagic telangiectasia (HHT). Also called: ORW DISEASE; Osler Weber Rendu syndrome; OSLER-RENDU-WEBER DISEASE; Osler hemorrhagic telangiectasia syndrome. Identifiers: Orphanet 774, MedGen C0039445, MONDO:0019180. Disease mechanism: loss of function.
Telangiectasia, hereditary hemorrhagic, type 1 (HHT1). Also called: Osler Weber Rendu syndrome type 1; ENG-Related Hereditary Hemorrhagic Telangiectasia. Identifiers: Orphanet 774, MedGen C4551861, MONDO:0008535, OMIM 187300. Disease mechanism: loss of function.

Allele frequency attached by ClinVar (database versions not stated): gnomAD 0.00003; TOPMed 0.00003; gnomAD exomes 0.00005.

Submissions (2):

Fulgent Genetics
Classification: Uncertain significance for Telangiectasia, hereditary hemorrhagic, type 1. Last evaluated: 2024-01-03. Review status: criteria provided, single submitter. Criteria: ACMG Guidelines, 2015. Collection method: clinical testing. Allele origin: germline.

Labcorp Genetics (formerly Invitae), Labcorp
Classification: Uncertain significance for Hereditary hemorrhagic telangiectasia. Last evaluated: 2022-07-21. Review status: criteria provided, single submitter. Criteria: Invitae Variant Classification Sherloc (09022015). Collection method: clinical testing. Allele origin: germline.
Comment: This variant occurs in a non-coding region of the ENG gene. It does not change the encoded amino acid sequence of the ENG protein. This variant is not present in population databases (gnomAD no frequency). This variant has not been reported in the literature in individuals affected with ENG-related conditions. Experimental studies and prediction algorithms are not available or were not evaluated, and the functional significance of this variant is currently unknown. In summary, the available evidence is currently insufficient to determine the role of this variant in disease. Therefore, it has been classified as a Variant of Uncertain Significance.